The following is an entry in ClinVar:

ClinVar aggregate classification (germline): Pathogenic (1 of 4 stars; one submission).

Submission:

GeneDx
Classification: Pathogenic. Last evaluated: 2025-12-30. Review status: criteria provided, single submitter. Criteria: GeneDx Variant Classification Process June 2021. Collection method: clinical testing. Allele origin: germline.
Comment: Nonsense variant predicted to result in protein truncation or nonsense mediated decay in a gene for which loss of function is a known mechanism of disease; Not observed at significant frequency in large population cohorts (gnomAD); Has not been previously published as pathogenic or benign to our knowledge

NM_001007553.3(CSDE1):c.883A>T (p.Lys295Ter)

Gene: CSDE1 (cold shock domain containing E1; minus strand). Cytogenetic location: 1p13.2.
Variant type: single nucleotide variant.
Coding change: c.883A>T on transcript NM_001007553.3 (MANE Select); coding-DNA position 883, A replaced by T.
Protein change: p.Lys295Ter; replaces lysine 295 with a stop codon.
Molecular consequence: nonsense.
Genome position (GRCh38, 1-based): chr1:114,732,771, T>A on the plus strand (A>T on the coding strand, the complement: CSDE1 is on the minus strand). VCF-style: chr1-114732771-T-A. GRCh37 (hg19) VCF-style: chr1-115275392-T-A.
Other names: c.928A>T, p.Lys310Ter (NM_001130523.3); c.1021A>T, p.Lys341Ter (NM_001242891.2); c.883A>T, p.Lys295Ter (NM_001242892.2); c.790A>T, p.Lys264Ter (NM_001242893.2, NM_007158.6); short protein forms K264*, K295*, K310*, K341*.
Identifiers: ClinVar variation 4074390 (VCV004074390.2).
Genomic context (GRCh38, chr1:114,732,771, plus strand): 5'-GGTCACCTTCCAGCAGGGTCACCTTGGATTTCGTATCTTTGTCTCCAAAGGGAAGTTCTT[T>A]AGGGATCACAAAGTCAACTTTGATGCGTCCTGGCAATGGGTCATTCTGATGAGAAGGAAA-3'